The following is an entry in ClinVar:

ClinVar aggregate classification (germline): Uncertain significance. Review status: criteria provided, multiple submitters, no conflicts (2 of 4 stars). 3 submissions from 3 submitters: Uncertain significance (3). Last evaluated 2025-07-07.

Allele frequency attached by ClinVar (database versions not stated): gnomAD 0.00004 and 0.00003; ExAC 0.00012; TOPMed 0.00002; gnomAD exomes 0.00004 and 0.00003; ESP Exome Variant Server 0.00008.
gnomAD v4.1: 66 of 1,574,172 alleles (0.0042%); highest among the groups gnomAD compares: Middle Eastern, 0.017%; no homozygotes.

Submissions (3):

Labcorp Genetics (formerly Invitae), Labcorp
Classification: Uncertain significance. Last evaluated: 2025-07-07. Review status: criteria provided, single submitter. Criteria: Invitae Variant Classification Sherloc (09022015). Collection method: clinical testing. Allele origin: germline.
Comment: This sequence change replaces proline, which is neutral and non-polar, with leucine, which is neutral and non-polar, at codon 1733 of the TRIOBP protein (p.Pro1733Leu). This variant is present in population databases (rs373745908, gnomAD 0.008%). This variant has not been reported in the literature in individuals affected with TRIOBP-related conditions. ClinVar contains an entry for this variant (Variation ID: 930172). An algorithm developed to predict the effect of missense changes on protein structure and function (PolyPhen-2) suggests that this variant is likely to be disruptive. In summary, the available evidence is currently insufficient to determine the role of this variant in disease. Therefore, it has been classified as a Variant of Uncertain Significance.

GeneDx
Classification: Uncertain significance. Last evaluated: 2019-12-10. Review status: criteria provided, single submitter. Criteria: GeneDx Variant Classification Process June 2021. Collection method: clinical testing. Allele origin: germline. Affected: yes.
Comment: In silico analysis, which includes protein predictors and evolutionary conservation, supports a deleterious effect; Has not been previously published as pathogenic or benign to our knowledge

Laboratory for Molecular Medicine, Mass General Brigham Personalized Medicine
Classification: Uncertain significance. Last evaluated: 2019-04-26. Review status: criteria provided, single submitter. Criteria: LMM Criteria. Collection method: clinical testing. Allele origin: germline. Observed: 1 variant allele.
Comment: The p.Pro1733Leu variant in TRIOBP has not been previously reported in individuals with hearing loss but has been identified in 0.005% (5/91628) of European chromosomes by gnomAD. Computational prediction tools and conservation analysis do not provide strong support for or against an impact to the protein. In summary, the clinical significance of this variant is uncertain. ACMG/AMP Criteria applied: PM2.

NM_001039141.3(TRIOBP):c.5198C>T (p.Pro1733Leu)

Gene: TRIOBP (TRIO and F-actin binding protein; plus strand). Cytogenetic location: 22q13.1.
Variant type: single nucleotide variant.
Coding change: c.5198C>T on transcript NM_001039141.3 (MANE Select); coding-DNA position 5198, C replaced by T.
Protein change: p.Pro1733Leu; replaces proline 1733 with leucine.
Molecular consequence: missense variant.
Genome position (GRCh38, 1-based): chr22:37,740,908, C>T. VCF-style: chr22-37740908-C-T. GRCh37 (hg19) VCF-style: chr22-38136915-C-T.
Other names: short protein forms P1733L.
Identifiers: ClinVar variation 930172 (VCV000930172.8), dbSNP rs373745908, ClinGen allele CA10224543.